The following is an entry in ClinVar:

ClinVar aggregate classification (germline): Likely pathogenic (1 of 4 stars; one submission).

Conditions:
Neuromuscular disease caused by qualitative or quantitative defects of dystrophin. Also called: Qualitative or quantitative defects of dystrophin. Identifiers: Orphanet 207085, MedGen C5679787, MONDO:0016147.

Submission:

Women's Health and Genetics/Laboratory Corporation of America, LabCorp
Classification: Likely pathogenic for Neuromuscular disease caused by qualitative or quantitative defects of dystrophin. Last evaluated: 2021-03-26. Review status: criteria provided, single submitter. Criteria: LabCorp Variant Classification Summary - May 2015. Collection method: clinical testing. Allele origin: germline.
Comment: Variant summary: The variant identified by MLPA or other technology involves the duplication of exons 55-60 in the DMD gene. A presumed nomenclature of c.(8027+1_8028-1)_(9084+1_9085-1)dup has been designated for the purposes of this classification. It has been assumed that this is a tandem duplication in direct orientation (Richardson_GIM_2018, Newman_AJHG_2015). Although exact breakpoints of this duplication are not known, it is expected to result in a frameshift change in the DMD gene (p.Val3029GlyfsX3, DOVE and UMD databases). The variant was absent in 15814 control chromosomes (gnomAD, Structural Variants dataset v2.1). To our knowledge, no experimental evidence demonstrating an impact on protein function has been reported. One ClinVar submitter (evaluation after 2014) cite the variant as likely pathogenic. Based on the evidence outlined above, the variant was classified as likely pathogenic.

Literature cited by the submitters: PubMed 19367636; PubMed 17726484.

NC_000023.10:g.(31366752_31462597)_(31645980_31676106)dup

Gene: DMD (dystrophin; minus strand). Cytogenetic location: Xp21.2-21.1.
Variant type: Duplication.
Identifiers: ClinVar variation 1050835 (VCV001050835.1).